The following is an entry in ClinVar:

ClinVar aggregate classification (germline): Uncertain significance (1 of 4 stars; one submission).

Allele frequency attached by ClinVar (database versions not stated): gnomAD exomes 0.00001; ExAC 0.00002.
gnomAD v4.1: 7 of 1,610,468 alleles (0.00043%); highest among the groups gnomAD compares: Non-Finnish European, 0.00059%; no homozygotes.

Submission:

Labcorp Genetics (formerly Invitae), Labcorp
Classification: Uncertain significance. Last evaluated: 2022-10-13. Review status: criteria provided, single submitter. Criteria: Invitae Variant Classification Sherloc (09022015). Collection method: clinical testing. Allele origin: germline.
Comment: This sequence change falls in intron 5 of the DNASE1L3 gene. It does not directly change the encoded amino acid sequence of the DNASE1L3 protein. It affects a nucleotide within the consensus splice site. The frequency data for this variant in the population databases is considered unreliable, as metrics indicate poor data quality at this position in the gnomAD database. This variant has not been reported in the literature in individuals affected with DNASE1L3-related conditions. ClinVar contains an entry for this variant (Variation ID: 1378527). Variants that disrupt the consensus splice site are a relatively common cause of aberrant splicing (PMID: 17576681, 9536098). Algorithms developed to predict the effect of sequence changes on RNA splicing suggest that this variant is not likely to affect RNA splicing. In summary, the available evidence is currently insufficient to determine the role of this variant in disease. Therefore, it has been classified as a Variant of Uncertain Significance.

Literature cited by the submitters: PubMed 17576681; PubMed 9536098.

NM_004944.4(DNASE1L3):c.546+6G>T

Gene: DNASE1L3 (deoxyribonuclease 1L3; minus strand). Cytogenetic location: 3p14.3.
Variant type: single nucleotide variant.
Coding change: c.546+6G>T on transcript NM_004944.4 (MANE Select); 6 bases into the intron after coding-DNA position 546, G replaced by T.
Molecular consequence: intron variant.
Genome position (GRCh38, 1-based): chr3:58,200,991, C>A on the plus strand (G>T on the coding strand, the complement: DNASE1L3 is on the minus strand). VCF-style: chr3-58200991-C-A. GRCh37 (hg19) VCF-style: chr3-58186718-C-A.
Other names: c.456+6G>T (NM_001256560.2).
Identifiers: ClinVar variation 1378527 (VCV001378527.3), dbSNP rs777161573, ClinGen allele CA2469943.
Genomic context (GRCh38, chr3:58,200,991, plus strand): 5'-CATCCCACTCAGGGACCAGAGCCTGCCCCTGCTAGATGGGAATTCGTCTGACACAGCAGT[C>A]CTCACCTCCGCCTTCCAGCGGTGTTTCACGTCCGTGTAGACCTCAACCAACTCATCGATC-3'